The following is an entry in ClinVar:

NM_001013838.3(CARMIL2):c.3794G>A (p.Arg1265His)

Gene: CARMIL2 (capping protein regulator and myosin 1 linker 2; plus strand). Cytogenetic location: 16q22.1.
Variant type: single nucleotide variant.
Coding change: c.3794G>A on transcript NM_001013838.3 (MANE Select); coding-DNA position 3794, G replaced by A.
Protein change: p.Arg1265His; replaces arginine 1265 with histidine.
Molecular consequence: missense variant.
Genome position (GRCh38, 1-based): chr16:67,656,279, G>A. VCF-style: chr16-67656279-G-A. GRCh37 (hg19) VCF-style: chr16-67690182-G-A.
Other names: c.3686G>A, p.Arg1229His (NM_001317026.3); short protein forms R1229H, R1265H.
Identifiers: ClinVar variation 1476410 (VCV001476410.3), dbSNP rs1038290739, ClinGen allele CA283213939.

ClinVar aggregate classification (germline): Uncertain significance (1 of 4 stars; one submission).

Allele frequency attached by ClinVar (database versions not stated): gnomAD 0.00001; TOPMed 0.00001.
gnomAD v4.1: 7 of 1,613,826 alleles (0.00043%); highest among the groups gnomAD compares: East Asian, 0.0022%; no homozygotes.

Submission:

Labcorp Genetics (formerly Invitae), Labcorp
Classification: Uncertain significance. Last evaluated: 2021-12-03. Review status: criteria provided, single submitter. Criteria: Invitae Variant Classification Sherloc (09022015). Collection method: clinical testing. Allele origin: germline.
Comment: This sequence change replaces arginine, which is basic and polar, with histidine, which is basic and polar, at codon 1265 of the CARMIL2 protein (p.Arg1265His). This variant is not present in population databases (gnomAD no frequency). This variant has not been reported in the literature in individuals affected with CARMIL2-related conditions. Algorithms developed to predict the effect of missense changes on protein structure and function are either unavailable or do not agree on the potential impact of this missense change (SIFT: "Tolerated"; PolyPhen-2: "Probably Damaging"; Align-GVGD: "Class C0"). In summary, the available evidence is currently insufficient to determine the role of this variant in disease. Therefore, it has been classified as a Variant of Uncertain Significance.